The following is an entry in ClinVar:

NC_000003.12:g.58505286_58505288del

Gene: ACOX2 (acyl-CoA oxidase 2; minus strand). Cytogenetic location: 3p14.3.
Variant type: Deletion.
Genome position: GRCh38 VCF-style: chr3-58505283-TCTC-T. GRCh37 (hg19) VCF-style: chr3-58491010-TCTC-T.
Identifiers: ClinVar variation 2184494 (VCV002184494.5), dbSNP rs766533813, ClinGen allele CA2471857.

ClinVar aggregate classification (germline): Uncertain significance (1 of 4 stars; one submission).

Submission:

Labcorp Genetics (formerly Invitae), Labcorp
Classification: Uncertain significance. Last evaluated: 2025-02-03. Review status: criteria provided, single submitter. Criteria: Invitae Variant Classification Sherloc (09022015). Collection method: clinical testing. Allele origin: germline.
Comment: This variant, c.1984_1986del, results in the deletion of 1 amino acid(s) of the ACOX2 protein (p.Glu662del), but otherwise preserves the integrity of the reading frame. This variant is present in population databases (rs766533813, gnomAD 0.02%). This variant has not been reported in the literature in individuals affected with ACOX2-related conditions. ClinVar contains an entry for this variant (Variation ID: 2184494). Algorithms developed to predict the effect of sequence changes on RNA splicing suggest that this variant may disrupt the consensus splice site. In summary, the available evidence is currently insufficient to determine the role of this variant in disease. Therefore, it has been classified as a Variant of Uncertain Significance.